The following is an entry in ClinVar:

ClinVar aggregate classification (germline): Uncertain significance (1 of 4 stars; one submission).

Conditions:
Metachromatic leukodystrophy (MLD). Also called: ARSA DEFICIENCY; CEREBROSIDE SULFATASE DEFICIENCY; Cerebral sclerosis diffuse metachromatic form; Arylsulfatase A Deficiency; METACHROMATIC LEUKOENCEPHALOPATHY; SULFATIDE LIPIDOSIS. Identifiers: Orphanet 512, MedGen C0023522, MONDO:0018868, OMIM 250100.

Submission:

Labcorp Genetics (formerly Invitae), Labcorp
Classification: Uncertain significance for Metachromatic leukodystrophy. Last evaluated: 2022-04-04. Review status: criteria provided, single submitter. Criteria: Invitae Variant Classification Sherloc (09022015). Collection method: clinical testing. Allele origin: germline.
Comment: This sequence change affects codon 285 of the ARSA mRNA. It is a 'silent' change, meaning that it does not change the encoded amino acid sequence of the ARSA protein. This variant also falls at the last nucleotide of exon 4, which is part of the consensus splice site for this exon. This variant is not present in population databases (gnomAD no frequency). This variant has not been reported in the literature in individuals affected with ARSA-related conditions. Algorithms developed to predict the effect of missense changes on protein structure and function are either unavailable or do not agree on the potential impact of this missense change (SIFT: "Tolerated"; PolyPhen-2: "Probably Damaging"; Align-GVGD: "Class C0"). Variants that disrupt the consensus splice site are a relatively common cause of aberrant splicing (PMID: 17576681, 9536098). Algorithms developed to predict the effect of sequence changes on RNA splicing suggest that this variant may disrupt the consensus splice site. In summary, the available evidence is currently insufficient to determine the role of this variant in disease. Therefore, it has been classified as a Variant of Uncertain Significance.

Literature cited by the submitters: PubMed 17576681; PubMed 9536098.

NM_000487.6(ARSA):c.854G>A (p.Gly285Glu)

Gene: ARSA (arylsulfatase A; minus strand). Cytogenetic location: 22q13.33.
Variant type: single nucleotide variant.
Coding change: c.854G>A on transcript NM_000487.6 (MANE Select); coding-DNA position 854, G replaced by A.
Protein change: p.Gly285Glu; replaces glycine 285 with glutamic acid.
Molecular consequence: missense variant.
Genome position (GRCh38, 1-based): chr22:50,626,591, C>T on the plus strand (G>A on the coding strand, the complement: ARSA is on the minus strand). VCF-style: chr22-50626591-C-T. GRCh37 (hg19) VCF-style: chr22-51065019-C-T.
Other names: c.854G>A, p.Gly285Glu (NM_001085425.3, NM_001085426.3, NM_001085427.3); c.596G>A, p.Gly199Glu (NM_001085428.3, NM_001362782.2); short protein forms G199E, G285E.
Identifiers: ClinVar variation 1914061 (VCV001914061.5), dbSNP rs2518328959, ClinGen allele CA412175570.
Genomic context (GRCh38, chr22:50,626,591, plus strand): 5'-AGGCCTCCAGGGCCCTGGCCCGTGACAGGGCCGGAGCACCCAGCTGCCCTGCTGGCATAC[C>T]CATTGTCTGCAGTGAAGATGACCAGCGTCTCTTCAAGCAGCCCCAGGTCCCCTATGGCTG-3'
Protein context (NP_000478.3, residues 275-295): ETLVIFTADN[Gly285Glu]PETMRMSRGG